The following is an entry in ClinVar:

NM_001364905.1(LRBA):c.7321G>T (p.Ala2441Ser)

Gene: LRBA (LPS responsive beige-like anchor protein; minus strand). Cytogenetic location: 4q31.3.
Variant type: single nucleotide variant.
Coding change: c.7321G>T on transcript NM_001364905.1 (MANE Select); coding-DNA position 7321, G replaced by T.
Protein change: p.Ala2441Ser; replaces alanine 2441 with serine.
Molecular consequence: missense variant.
Genome position (GRCh38, 1-based): chr4:150,350,033, C>A on the plus strand (G>T on the coding strand, the complement: LRBA is on the minus strand). VCF-style: chr4-150350033-C-A. GRCh37 (hg19) VCF-style: chr4-151271185-C-A.
Other names: c.7321G>T, p.Ala2441Ser (NM_001199282.3, NM_001367550.1); c.7354G>T, p.Ala2452Ser (NM_006726.5); short protein forms A2441S, A2452S.
Identifiers: ClinVar variation 1008022 (VCV001008022.9), dbSNP rs965620037, ClinGen allele CA108323702.

ClinVar aggregate classification (germline): Uncertain significance (1 of 4 stars; one submission).

Conditions:
Combined immunodeficiency due to LRBA deficiency. Also called: Common variable immunodeficiency 8, with autoimmunity. Identifiers: Orphanet 445018, MedGen C3553512, MONDO:0013863, OMIM 614700.

Allele frequency attached by ClinVar (database versions not stated): gnomAD exomes below 0.00001; TOPMed 0.00001.
gnomAD v4.1: 3 of 1,613,704 alleles (0.00019%); highest among the groups gnomAD compares: Non-Finnish European, 0.00025%; no homozygotes.

Submission:

Labcorp Genetics (formerly Invitae), Labcorp
Classification: Uncertain significance for Combined immunodeficiency due to LRBA deficiency. Last evaluated: 2020-01-27. Review status: criteria provided, single submitter. Criteria: Invitae Variant Classification Sherloc (09022015). Collection method: clinical testing. Allele origin: germline.
Comment: In summary, the available evidence is currently insufficient to determine the role of this variant in disease. Therefore, it has been classified as a Variant of Uncertain Significance. Algorithms developed to predict the effect of missense changes on protein structure and function are either unavailable or do not agree on the potential impact of this missense change (SIFT: "Tolerated"; PolyPhen-2: "Possibly Damaging"; Align-GVGD: "Class C0"). This variant has not been reported in the literature in individuals with LRBA-related conditions. This variant is not present in population databases (ExAC no frequency). This sequence change replaces alanine with serine at codon 2452 of the LRBA protein (p.Ala2452Ser). The alanine residue is moderately conserved and there is a moderate physicochemical difference between alanine and serine.